The following is an entry in ClinVar:

ClinVar aggregate classification (germline): Pathogenic. Review status: criteria provided, multiple submitters, no conflicts (2 of 4 stars). 5 submissions from 5 submitters: Pathogenic (5). Last evaluated 2025-12-10.

Conditions:
Hypophosphatasia. Also called: Phosphoethanol-aminuria. Identifiers: Orphanet 436, MedGen C0020630, MeSH D007014, MONDO:0018570.
Adult hypophosphatasia. Identifiers: Orphanet 247676, Orphanet 436, MedGen C0268413, MONDO:1010154, OMIM 146300, MONDO:0007798.

Submissions (5):

Women's Health and Genetics/Laboratory Corporation of America, LabCorp
Classification: Pathogenic for Hypophosphatasia. Last evaluated: 2025-12-10. Review status: criteria provided, single submitter. Criteria: LabCorp Variant Classification Summary - May 2015. Collection method: clinical testing. Allele origin: germline.
Comment: Variant summary: ALPL c.896T>C (p.Leu299Pro) results in a non-conservative amino acid change located in the Calcium site domain (Del Angel_2020) of the encoded protein sequence. Algorithms developed to predict the effect of missense changes on protein structure and function all suggest that this variant is likely to be disruptive. The variant was absent in 251080 control chromosomes. c.896T>C has been observed in multiple compound heterozygous and homozygous individuals affected with Hypophosphatasia, as well as at least one heterozygous individual with Hypophosphatasia (Del Angel_2020, Taketani_2014). These data indicate that the variant is very likely to be associated with disease. At least one publication reports experimental evidence evaluating an impact on protein function. The most pronounced variant effect results in 38% of normal activity (Del Angel_2020). The following publications have been ascertained in the context of this evaluation (PMID: 32160374, 24276437). ClinVar contains an entry for this variant (Variation ID: 1435973). Based on the evidence outlined above, the variant was classified as pathogenic for Dominant and Recessive Hypophosphatasia.

Genomenon, Inc
Classification: Pathogenic for Hypophosphatasia. Last evaluated: 2025-08-29. Review status: criteria provided, single submitter. Criteria: Genomenon Sequence Variant Interpretation Standards. Collection method: curation. Allele origin: germline. Affected: yes.
Comment: ALPL c.896T>C is a missense variant that changes the amino acid at residue 299 from Leucine to Proline. This variant has been observed in at least one proband affected with hypophosphatasia (PMID:24276437;32973344;35878747;38909345;11855933;30655187;15660230). The variant was found to segregate with disease in at least one affected family (PMID:38909345). At least one functional study has demonstrated a substantial alteration in protein function relative to the wild-type (PMID:15660230). This variant has been described as Leu282Pro in the literature. It is absent or not present at a significant frequency in gnomAD. In silico models agree that this variant is possibly or probably damaging. In conclusion, we classify ALPL p.Leu299Pro (c.896T>C) as a pathogenic variant.

Labcorp Genetics (formerly Invitae), Labcorp
Classification: Pathogenic. Last evaluated: 2025-08-08. Review status: criteria provided, single submitter. Criteria: Invitae Variant Classification Sherloc (09022015). Collection method: clinical testing. Allele origin: germline.
Comment: This sequence change replaces leucine, which is neutral and non-polar, with proline, which is neutral and non-polar, at codon 299 of the ALPL protein (p.Leu299Pro). This variant is not present in population databases (gnomAD no frequency). This missense change has been observed in individuals with hypophosphatasia (PMID: 11855933, 24276437, 32160374). This variant is also known as Leu282Pro in TNSALP. ClinVar contains an entry for this variant (Variation ID: 1435973). Invitae Evidence Modeling of protein sequence and biophysical properties (such as structural, functional, and spatial information, amino acid conservation, physicochemical variation, residue mobility, and thermodynamic stability) indicates that this missense variant is expected to disrupt ALPL protein function with a positive predictive value of 95%. Experimental studies have shown that this missense change affects ALPL function (PMID: 32160374). For these reasons, this variant has been classified as Pathogenic.

Dasa
Classification: Pathogenic. Last evaluated: 2024-11-08. Review status: criteria provided, single submitter. Criteria: DASA Assertion Criteria. Collection method: clinical testing. Allele origin: germline.
Comment: NM_000478.6(ALPL):c.896T>C (p.Leu299Pro) is a missense variant that results in the substitution of leucine with proline. The affected residue or protein region has prior evidence supporting clinical relevance. Functional evidence supports a deleterious effect on the gene or gene product (PMID: 32160374; PMID: 11855933; PMID: 24276437). This variant has been recurrently observed in individuals with related phenotype (PMID: 32160374; PMID: 11855933; PMID: 24276437). Multiple computational predictions support a deleterious effect on the gene or gene product. The variant is present at low frequency in population datasets. Based on the available data, this variant is classified as pathogenic.

Baylor Genetics
Classification: Pathogenic for Adult hypophosphatasia. Last evaluated: 2024-02-12. Review status: criteria provided, single submitter. Criteria: ACMG Guidelines, 2015. Collection method: clinical testing. Allele origin: unknown.

Literature cited by the submitters: PubMed 24276437 (cited by 4 submitters); PubMed 32160374 (cited by 3 submitters); PubMed 32973344 (cited by Genomenon, Inc); PubMed 35878747 (cited by Genomenon, Inc); PubMed 38909345 (cited by Genomenon, Inc); PubMed 11855933 (cited by 3 submitters); PubMed 30655187 (cited by Genomenon, Inc); PubMed 15660230 (cited by Genomenon, Inc).

NM_000478.6(ALPL):c.896T>C (p.Leu299Pro)

Gene: ALPL (alkaline phosphatase, biomineralization associated; plus strand). Cytogenetic location: 1p36.12.
Variant type: single nucleotide variant.
Coding change: c.896T>C on transcript NM_000478.6 (MANE Select); coding-DNA position 896, T replaced by C.
Protein change: p.Leu299Pro; replaces leucine 299 with proline.
Molecular consequence: missense variant.
Genome position (GRCh38, 1-based): chr1:21,573,698, T>C. VCF-style: chr1-21573698-T-C. GRCh37 (hg19) VCF-style: chr1-21900191-T-C.
Other names: c.731T>C, p.Leu244Pro (NM_001127501.4); c.665T>C, p.Leu222Pro (NM_001177520.3); c.896T>C, p.Leu299Pro (NM_001369803.2, NM_001369804.2, NM_001369805.2); short protein forms L244P, L222P, L299P.
Identifiers: ClinVar variation 1435973 (VCV001435973.12), dbSNP rs2148184404, ClinGen allele CA338880235.